The following is an entry in ClinVar:

ClinVar aggregate classification (germline): Conflicting classifications of pathogenicity. Review status: criteria provided, conflicting classifications (1 of 4 stars). 3 submissions from 3 submitters: Uncertain significance (2); Likely benign (1). Last evaluated 2022-12-12.

Conditions:
Hereditary breast ovarian cancer syndrome. Also called: Hereditary breast and ovarian cancer syndrome (HBOC); BRCA1- and BRCA2-Associated Hereditary Breast and Ovarian Cancer; Hereditary breast and/or ovarian cancer syndrome; Hereditary breast and ovarian cancer syndrome; Hereditary breast and ovarian cancer; Breast and ovarian cancer. Identifiers: Orphanet 145, MedGen C0677776, MeSH D061325, MONDO:0003582. Disease mechanism: loss of function.

Submissions (4):

Women's Health and Genetics/Laboratory Corporation of America, LabCorp
Classification: Likely benign. Last evaluated: 2022-12-12. Review status: criteria provided, single submitter. Criteria: LabCorp Variant Classification Summary - May 2015. Collection method: clinical testing. Allele origin: germline.
Comment: Variant summary: BRCA1 c.5175A>C (p.Glu1725Asp) results in a conservative amino acid change located in the BRCT domain (IPR001357) of the encoded protein sequence. Four of five in-silico tools predict a benign effect of the variant on protein function. The variant was absent in 251166 control chromosomes (gnomAD). The available data on variant occurrences in the general population are insufficient to allow any conclusion about variant significance. This report does not provide unequivocal conclusions about association of the variant with Hereditary Breast And Ovarian Cancer Syndrome. At least one functional study reports experimental evidence evaluating an impact on protein function and showed no damaging effect of this variant on homology directed repair (HDR) activity (e.g. Findlay_2018). HDR assays qualify as a recognized gold standard on the basis of updated guidance provided by the ClinGen Sequence Variant Interpretation (SVI) working group. Two clinical diagnostic laboratories have submitted clinical-significance assessments for this variant to ClinVar after 2014. Both laboratories classified the variant as uncertain significance. Based on the evidence outlined above, the variant was classified as likely benign.

Labcorp Genetics (formerly Invitae), Labcorp
Classification: Uncertain significance for Hereditary breast ovarian cancer syndrome. Last evaluated: 2018-03-27. Review status: criteria provided, single submitter. Criteria: Invitae Variant Classification Sherloc (09022015). Collection method: clinical testing. Allele origin: germline.
Comment: Algorithms developed to predict the effect of missense changes on protein structure and function (SIFT, PolyPhen-2, Align-GVGD) all suggest that this variant is likely to be tolerated, but these predictions have not been confirmed by published functional studies and their clinical significance is uncertain. In summary, the available evidence is currently insufficient to determine the role of this variant in disease. Therefore, it has been classified as a Variant of Uncertain Significance. This variant has not been reported in the literature in individuals with BRCA1-related disease. ClinVar contains an entry for this variant (Variation ID: 419703). This variant is not present in population databases (ExAC no frequency). This sequence change replaces glutamic acid with aspartic acid at codon 1725 of the BRCA1 protein (p.Glu1725Asp). The glutamic acid residue is highly conserved and there is a small physicochemical difference between glutamic acid and aspartic acid.

GeneDx
Classification: Uncertain significance. Last evaluated: 2015-08-13. Review status: criteria provided, single submitter. Criteria: GeneDx Variant Classification (06012015). Collection method: clinical testing. Allele origin: germline. Affected: yes.
Comment: This variant is denoted BRCA1 c.5175A>C at the cDNA level, p.Glu1725Asp (E1725D) at the protein level, and results in the change of a Glutamic Acid to an Aspartic Acid (GAA>GAC). Using alternate nomenclature, this variant would be defined as BRCA1 5294A>C. This variant has not, to our knowledge, been published in the literature as pathogenic or benign. BRCA1 Glu1725Asp was not observed in approximately 6,500 individuals of European and African American ancestry in the NHLBI Exome Sequencing Project, indicating it is not a common benign variant in these populations. Since Glutamic Acid and Aspartic Acid share similar properties, this is considered a conservative amino acid substitution. BRCA1 Glu1725Asp occurs at a position that is not conserved and is not located in a known functional domain. In silico analyses are inconsistent regarding the effect this variant may have on protein structure and function (UniProt). Based on currently available information, it is unclear whether BRCA1 Glu1725Asp is pathogenic or benign. We consider it to be a variant of uncertain significance.

Brotman Baty Institute, University of Washington
No classification provided (evidence only). Condition: Breast-ovarian cancer, familial 1. Review status: no classification provided. Collection method: in vitro. Allele origin: not applicable. Functional consequence: functionally_normal. Not counted in ClinVar's aggregate classification.
ClinVar note: "not provided" was previously submitted as the classification for the variant. However, the classification appeared to be based only on an observation of functional data so it was converted to no classification on 2025-07-30.

Literature cited by the submitters: PubMed 25186627 (cited by Women's Health and Genetics/Laboratory Corporation of America, LabCorp); PubMed 30209399 (cited by Women's Health and Genetics/Laboratory Corporation of America, LabCorp).

NM_007294.4(BRCA1):c.5175A>C (p.Glu1725Asp)

Gene: BRCA1 (BRCA1 DNA repair associated; minus strand). Cytogenetic location: 17q21.31.
Variant type: single nucleotide variant.
Coding change: c.5175A>C on transcript NM_007294.4 (MANE Select); coding-DNA position 5175, A replaced by C.
Protein change: p.Glu1725Asp; replaces glutamic acid 1725 with aspartic acid.
Molecular consequence: missense variant. On other transcripts: non-coding transcript variant (1).
Genome position (GRCh38, 1-based): chr17:43,063,351, T>G on the plus strand (A>C on the coding strand, the complement: BRCA1 is on the minus strand). VCF-style: chr17-43063351-T-G. GRCh37 (hg19) VCF-style: chr17-41215368-T-G.
Other names: c.4962A>C, p.Glu1654Asp (NM_001407571.1, NM_001407899.1, NM_001407900.1 and 12 more transcripts); c.5241A>C, p.Glu1747Asp (NM_001407581.1, NM_001407582.1); c.5238A>C, p.Glu1746Asp (NM_001407583.1, NM_001407585.1, NM_001407587.1 and 1 more transcripts); c.5235A>C, p.Glu1745Asp (NM_001407590.1, NM_001407591.1); c.5175A>C, p.Glu1725Asp (NM_001407593.1, NM_001407594.1, NM_001407596.1 and 7 more transcripts); c.5172A>C, p.Glu1724Asp (NM_001407610.1, NM_001407611.1, NM_001407612.1 and 17 more transcripts); c.5169A>C, p.Glu1723Asp (NM_001407628.1, NM_001407629.1, NM_001407630.1 and 14 more transcripts); c.5118A>C, p.Glu1706Asp (NM_001407648.1); and 72 more; short protein forms E1725D, E1678D, E1746D, E621D, E1597D, E1654D, E1655D, E1658D.
Identifiers: ClinVar variation 419703 (VCV000419703.14), dbSNP rs191373374, ClinGen allele CA10591194.